The following is an entry in ClinVar:

NM_001110556.2(FLNA):c.5785C>T (p.Pro1929Ser)

Gene: FLNA (filamin A; minus strand). Cytogenetic location: Xq28.
Variant type: single nucleotide variant.
Coding change: c.5785C>T on transcript NM_001110556.2 (MANE Select); coding-DNA position 5785, C replaced by T.
Protein change: p.Pro1929Ser; replaces proline 1929 with serine.
Molecular consequence: missense variant.
Genome position (GRCh38, 1-based): chrX:154,353,629, G>A on the plus strand (C>T on the coding strand, the complement: FLNA is on the minus strand). VCF-style: chrX-154353629-G-A. GRCh37 (hg19) VCF-style: chrX-153581997-G-A.
Other names: c.5761C>T, p.Pro1921Ser (NM_001456.4); short protein forms P1929S, P1921S.
Identifiers: ClinVar variation 2951542 (VCV002951542.3), dbSNP rs2522724761, ClinGen allele CA415199399.

ClinVar aggregate classification (germline): Uncertain significance (1 of 4 stars; one submission).

Conditions:
Heterotopia, periventricular, X-linked dominant (PVNH1). Also called: PERIVENTRICULAR NODULAR HETEROTOPIA 1; X-linked periventricular heterotopia; PERIVENTRICULAR NODULAR HETEROTOPIA 4; HETEROTOPIA, PERIVENTRICULAR, 1. Identifiers: Orphanet 2149, Orphanet 82004, MedGen C1848213, MONDO:0010233, OMIM 300049.
Melnick-Needles syndrome (MNS). Also called: Melnick-Needles Syndrome (FLNA-MNS); MELNICK-NEEDLES OSTEODYSPLASTY; OSTEODYSPLASTY OF MELNICK AND NEEDLES. Identifiers: Orphanet 2484, MedGen C0025237, MONDO:0010650, OMIM 309350.
Frontometaphyseal dysplasia (FMD1). Identifiers: Orphanet 1826, MedGen C0265293, MONDO:0015942.
Oto-palato-digital syndrome, type II (OPD2). Also called: Otopalatodigital Syndrome Type 2 (FLNA-OPD2); FACIOPALATOOSSEOUS SYNDROME; OPD II SYNDROME; Otopalatodigital Syndrome, Type II. Identifiers: Orphanet 669, Orphanet 90652, MedGen C1844696, MONDO:0010571, OMIM 304120.

Submission:

Labcorp Genetics (formerly Invitae), Labcorp
Classification: Uncertain significance for Oto-palato-digital syndrome, type II; Heterotopia, periventricular, X-linked dominant; Frontometaphyseal dysplasia; Melnick-Needles syndrome. Last evaluated: 2023-09-03. Review status: criteria provided, single submitter. Criteria: Invitae Variant Classification Sherloc (09022015). Collection method: clinical testing. Allele origin: germline.
Comment: This variant is not present in population databases (gnomAD no frequency). This sequence change replaces proline, which is neutral and non-polar, with serine, which is neutral and polar, at codon 1921 of the FLNA protein (p.Pro1921Ser). This variant has not been reported in the literature in individuals affected with FLNA-related conditions. Advanced modeling of protein sequence and biophysical properties (such as structural, functional, and spatial information, amino acid conservation, physicochemical variation, residue mobility, and thermodynamic stability) performed at Invitae indicates that this missense variant is not expected to disrupt FLNA protein function. In summary, the available evidence is currently insufficient to determine the role of this variant in disease. Therefore, it has been classified as a Variant of Uncertain Significance.